The following is an entry in ClinVar:

NM_002234.4(KCNA5):c.92G>C (p.Gly31Ala)

Gene: KCNA5 (potassium voltage-gated channel subfamily A member 5; plus strand). Cytogenetic location: 12p13.32.
Variant type: single nucleotide variant.
Coding change: c.92G>C on transcript NM_002234.4 (MANE Select); coding-DNA position 92, G replaced by C.
Protein change: p.Gly31Ala; replaces glycine 31 with alanine.
Molecular consequence: missense variant.
Genome position (GRCh38, 1-based): chr12:5,044,239, G>C. VCF-style: chr12-5044239-G-C. GRCh37 (hg19) VCF-style: chr12-5153405-G-C.
Other names: short protein forms G31A.
Identifiers: ClinVar variation 1207644 (VCV001207644.5), dbSNP rs61737395, ClinGen allele CA6399539.

ClinVar aggregate classification (germline): Uncertain significance. Review status: criteria provided, multiple submitters, no conflicts (2 of 4 stars). 2 submissions from 2 submitters: Uncertain significance (2). Last evaluated 2024-05-17.

Conditions:
Atrial fibrillation, familial, 7 (ATFB7). Identifiers: MedGen C2677106, MONDO:0012828, OMIM 612240.

Submissions (2):

Labcorp Genetics (formerly Invitae), Labcorp
Classification: Uncertain significance for Atrial fibrillation, familial, 7. Last evaluated: 2024-05-17. Review status: criteria provided, single submitter. Criteria: Invitae Variant Classification Sherloc (09022015). Collection method: clinical testing. Allele origin: germline.
Comment: This sequence change replaces glycine, which is neutral and non-polar, with alanine, which is neutral and non-polar, at codon 31 of the KCNA5 protein (p.Gly31Ala). This variant is present in population databases (rs61737395, gnomAD 0.009%). This variant has not been reported in the literature in individuals affected with KCNA5-related conditions. ClinVar contains an entry for this variant (Variation ID: 1207644). Algorithms developed to predict the effect of missense changes on protein structure and function output the following: SIFT: "Not Available"; PolyPhen-2: "Benign"; Align-GVGD: "Not Available". The alanine amino acid residue is found in multiple mammalian species, which suggests that this missense change does not adversely affect protein function. In summary, the available evidence is currently insufficient to determine the role of this variant in disease. Therefore, it has been classified as a Variant of Uncertain Significance.

GeneDx
Classification: Uncertain significance. Last evaluated: 2018-12-13. Review status: criteria provided, single submitter. Criteria: GeneDx Variant Classification Process June 2021. Collection method: clinical testing. Allele origin: germline. Affected: yes.
Comment: Has not been previously reported as pathogenic or benign to our knowledge; Observed in 0.0038% (5/130216) of global alleles in large population cohorts (Lek et al., 2016); Identified in other individuals referred for arrhythmia genetic testing at GeneDx, although at least one of these probands harbored an additional cardiogenetic variant that likely contributed to the phenotype; In silico analysis, which includes protein predictors and evolutionary conservation, supports that this variant does not alter protein structure/function